The following is an entry in ClinVar:

ClinVar aggregate classification (germline): Uncertain significance (1 of 4 stars; one submission).

Submission:

Labcorp Genetics (formerly Invitae), Labcorp
Classification: Uncertain significance. Last evaluated: 2024-05-02. Review status: criteria provided, single submitter. Criteria: Invitae Variant Classification Sherloc (09022015). Collection method: clinical testing. Allele origin: germline.
Comment: This sequence change falls in intron 23 of the INPPL1 gene. It does not directly change the encoded amino acid sequence of the INPPL1 protein. It affects a nucleotide within the consensus splice site. This variant is present in population databases (rs771360602, gnomAD 0.01%). This variant has not been reported in the literature in individuals affected with INPPL1-related conditions. Variants that disrupt the consensus splice site are a relatively common cause of aberrant splicing (PMID: 17576681, 9536098). Algorithms developed to predict the effect of sequence changes on RNA splicing suggest that this variant is not likely to affect RNA splicing. In summary, the available evidence is currently insufficient to determine the role of this variant in disease. Therefore, it has been classified as a Variant of Uncertain Significance.

Literature cited by the submitters: PubMed 17576681; PubMed 9536098.

NM_001567.4(INPPL1):c.2659+6G>T

Gene: INPPL1 (inositol polyphosphate phosphatase like 1; plus strand). Cytogenetic location: 11q13.4.
Variant type: single nucleotide variant.
Coding change: c.2659+6G>T on transcript NM_001567.4 (MANE Select); 6 bases into the intron after coding-DNA position 2659, G replaced by T.
Molecular consequence: intron variant.
Genome position (GRCh38, 1-based): chr11:72,235,457, G>T. VCF-style: chr11-72235457-G-T. GRCh37 (hg19) VCF-style: chr11-71946501-G-T.
Identifiers: ClinVar variation 3605523 (VCV003605523.2).